The following is an entry in ClinVar:

NM_007327.4(GRIN1):c.2672T>C (p.Phe891Ser)

Gene: GRIN1 (glutamate ionotropic receptor NMDA type subunit 1; plus strand). Cytogenetic location: 9q34.3.
Variant type: single nucleotide variant.
Coding change: c.2672T>C on transcript NM_007327.4 (MANE Select); coding-DNA position 2672, T replaced by C.
Protein change: p.Phe891Ser; replaces phenylalanine 891 with serine.
Molecular consequence: missense variant. On other transcripts: intron variant (4).
Genome position (GRCh38, 1-based): chr9:137,165,268, T>C. VCF-style: chr9-137165268-T-C. GRCh37 (hg19) VCF-style: chr9-140059720-T-C.
Other names: c.2652+1364T>C (NM_001437331.1, NM_001185091.2); c.2589+1364T>C (NM_021569.4, NM_000832.7); c.2735T>C, p.Phe912Ser (NM_001185090.2, NM_001437330.1); short protein forms F891S, F912S.
Identifiers: ClinVar variation 4537666 (VCV004537666.1).

ClinVar aggregate classification (germline): Uncertain significance (1 of 4 stars; one submission).

Submission:

GeneDx
Classification: Uncertain significance. Last evaluated: 2025-06-10. Review status: criteria provided, single submitter. Criteria: GeneDx Variant Classification Process June 2021. Collection method: clinical testing. Allele origin: germline. Affected: yes.
Comment: Not observed at significant frequency in large population cohorts (gnomAD); In silico analysis suggests that this missense variant does not alter protein structure/function; Has not been previously published as pathogenic or benign to our knowledge